The following is an entry in ClinVar:

ClinVar aggregate classification (germline): Likely pathogenic. Review status: criteria provided, single submitter (1 of 4 stars). 2 submissions from 2 submitters: Likely pathogenic (1). 1 of the submissions does not count toward it. Last evaluated 2022-05-12.

Conditions:
Seizures, benign familial neonatal, 1. Also called: Benign Neonatal Epilepsy 1; KCNQ2-Related Benign Familial Neonatal Epilepsy; KCNQ2-Related Self-Limited Familial Neonatal Epilepsy (SLFNE); Seizures, benign neonatal, 1. Identifiers: Orphanet 1949, MedGen C3149074, MONDO:0007365, OMIM 121200.
Early-infantile DEE. Also called: Early infantile epileptic encephalopathy with suppression bursts; Early infantile epileptic encephalopathy; Ohtahara syndrome. Identifiers: Orphanet 1934, MedGen C0393706, MONDO:0800491.

Submissions (2):

Labcorp Genetics (formerly Invitae), Labcorp
Classification: Likely pathogenic for Early-infantile DEE. Last evaluated: 2022-05-12. Review status: criteria provided, single submitter. Criteria: Invitae Variant Classification Sherloc (09022015). Collection method: clinical testing. Allele origin: germline.
Comment: In summary, the currently available evidence indicates that the variant is pathogenic, but additional data are needed to prove that conclusively. Therefore, this variant has been classified as Likely Pathogenic. Algorithms developed to predict the effect of sequence changes on RNA splicing suggest that this variant may disrupt the consensus splice site. This variant has not been reported in the literature in individuals affected with KCNQ2-related conditions. This variant is not present in population databases (gnomAD no frequency). This sequence change affects an acceptor splice site in intron 2 of the KCNQ2 gene. It is expected to disrupt RNA splicing. Variants that disrupt the donor or acceptor splice site typically lead to a loss of protein function (PMID: 16199547), and loss-of-function variants in KCNQ2 are known to be pathogenic (PMID: 14534157, 23692823, 27779742).

Cytogénomique, Hospices Civils de Lyon
Classification: Likely pathogenic for Seizures, benign familial neonatal, 1. Review status: no assertion criteria provided. Collection method: clinical testing. Allele origin: unknown. Inheritance: Autosomal dominant inheritance. Affected: yes. Not counted in ClinVar's aggregate classification.

Literature cited by the submitters: PubMed 16199547 (cited by Labcorp Genetics (formerly Invitae), Labcorp); PubMed 14534157 (cited by Labcorp Genetics (formerly Invitae), Labcorp); PubMed 23692823 (cited by Labcorp Genetics (formerly Invitae), Labcorp); PubMed 27779742 (cited by Labcorp Genetics (formerly Invitae), Labcorp).

NM_172107.4(KCNQ2):c.388-2A>G

Gene: KCNQ2 (potassium voltage-gated channel subfamily Q member 2; minus strand). Cytogenetic location: 20q13.33.
Variant type: single nucleotide variant.
Coding change: c.388-2A>G on transcript NM_172107.4 (MANE Select); the canonical splice acceptor site of the intron before coding-DNA position 388, A replaced by G.
Molecular consequence: splice acceptor variant.
Genome position (GRCh38, 1-based): chr20:63,445,366, T>C on the plus strand (A>G on the coding strand, the complement: KCNQ2 is on the minus strand). VCF-style: chr20-63445366-T-C. GRCh37 (hg19) VCF-style: chr20-62076719-T-C.
Other names: c.388-2A>G (NM_004518.6, NM_172108.5, NM_172106.3 and 2 more transcripts).
Identifiers: ClinVar variation 1343225 (VCV001343225.6), dbSNP rs2145779858, ClinGen allele CA409655685.